The following is an entry in ClinVar:

NM_004369.4(COL6A3):c.2131C>G (p.Leu711Val)

Gene: COL6A3 (collagen type VI alpha 3 chain; minus strand). Cytogenetic location: 2q37.3.
Variant type: single nucleotide variant.
Coding change: c.2131C>G on transcript NM_004369.4 (MANE Select); coding-DNA position 2131, C replaced by G.
Protein change: p.Leu711Val; replaces leucine 711 with valine.
Molecular consequence: missense variant. On other transcripts: intron variant (1).
Genome position (GRCh38, 1-based): chr2:237,379,002, G>C on the plus strand (C>G on the coding strand, the complement: COL6A3 is on the minus strand). VCF-style: chr2-237379002-G-C. GRCh37 (hg19) VCF-style: chr2-238287645-G-C.
Other names: c.910C>G, p.Leu304Val (NM_057164.5); c.1513C>G, p.Leu505Val (NM_057165.5, NM_057167.4); c.677-1658C>G (NM_057166.5); short protein forms L304V, L711V, L505V.
Identifiers: ClinVar variation 1400527 (VCV001400527.6), dbSNP rs2106367128, ClinGen allele CA351214411.

ClinVar aggregate classification (germline): Uncertain significance (1 of 4 stars; one submission).

Conditions:
Bethlem myopathy 1A. Also called: Bethlem myopathy 1; Bethlem Muscular Dystrophy; MYOPATHY, BENIGN CONGENITAL, WITH CONTRACTURES. Identifiers: Orphanet 610, MedGen CN029274, MONDO:0024530, OMIM 158810.

Allele frequency attached by ClinVar (database versions not stated): gnomAD exomes 0.00001.
gnomAD v4.1: 15 of 1,614,226 alleles (0.00093%); highest among the groups gnomAD compares: Non-Finnish European, 0.0013%; no homozygotes.

Submission:

Labcorp Genetics (formerly Invitae), Labcorp
Classification: Uncertain significance for Bethlem myopathy 1A. Last evaluated: 2025-09-10. Review status: criteria provided, single submitter. Criteria: Invitae Variant Classification Sherloc (09022015). Collection method: clinical testing. Allele origin: germline.
Comment: This sequence change replaces leucine, which is neutral and non-polar, with valine, which is neutral and non-polar, at codon 711 of the COL6A3 protein (p.Leu711Val). This variant is not present in population databases (gnomAD no frequency). This variant has not been reported in the literature in individuals affected with COL6A3-related conditions. ClinVar contains an entry for this variant (Variation ID: 1400527). Invitae Evidence Modeling of protein sequence and biophysical properties (such as structural, functional, and spatial information, amino acid conservation, physicochemical variation, residue mobility, and thermodynamic stability) indicates that this missense variant is not expected to disrupt COL6A3 protein function with a negative predictive value of 95%. In summary, the available evidence is currently insufficient to determine the role of this variant in disease. Therefore, it has been classified as a Variant of Uncertain Significance.